The following is an entry in ClinVar:

ClinVar aggregate classification (germline): Uncertain significance (1 of 4 stars; one submission).

Conditions:
Hypokalemic periodic paralysis, type 1. Also called: HypoPP; Hypokalemic Periodic Paralysis Type 1 (AD). Identifiers: Orphanet 681, MedGen C3714580, MONDO:0042979, OMIM 170400.
Malignant hyperthermia, susceptibility to, 5 (MHS5). Also called: CACNA1S-Related Malignant Hyperthermia Susceptibility. Identifiers: Orphanet 423, MedGen C1866077, MONDO:0011163, OMIM 601887.

Allele frequency attached by ClinVar (database versions not stated): gnomAD exomes below 0.00001.
gnomAD v4.1: 1 of 1,614,124 alleles (0.000062%); highest among the groups gnomAD compares: Non-Finnish European, 0.000085%; no homozygotes.

Submission:

Labcorp Genetics (formerly Invitae), Labcorp
Classification: Uncertain significance for Hypokalemic periodic paralysis, type 1; Malignant hyperthermia, susceptibility to, 5. Last evaluated: 2025-10-02. Review status: criteria provided, single submitter. Criteria: Invitae Variant Classification Sherloc (09022015). Collection method: clinical testing. Allele origin: germline.
Comment: This sequence change replaces serine, which is neutral and polar, with asparagine, which is neutral and polar, at codon 154 of the CACNA1S protein (p.Ser154Asn). This variant is not present in population databases (gnomAD no frequency). This variant has not been reported in the literature in individuals affected with CACNA1S-related conditions. ClinVar contains an entry for this variant (Variation ID: 1001358). Invitae Evidence Modeling of protein sequence and biophysical properties (such as structural, functional, and spatial information, amino acid conservation, physicochemical variation, residue mobility, and thermodynamic stability) indicates that this missense variant is not expected to disrupt CACNA1S protein function with a negative predictive value of 95%. In summary, the available evidence is currently insufficient to determine the role of this variant in disease. Therefore, it has been classified as a Variant of Uncertain Significance.

NM_000069.3(CACNA1S):c.461G>A (p.Ser154Asn)

Gene: CACNA1S (calcium voltage-gated channel subunit alpha1 S; minus strand). Cytogenetic location: 1q32.1.
Variant type: single nucleotide variant.
Coding change: c.461G>A on transcript NM_000069.3 (MANE Select); coding-DNA position 461, G replaced by A.
Protein change: p.Ser154Asn; replaces serine 154 with asparagine.
Molecular consequence: missense variant.
Genome position (GRCh38, 1-based): chr1:201,092,052, C>T on the plus strand (G>A on the coding strand, the complement: CACNA1S is on the minus strand). VCF-style: chr1-201092052-C-T. GRCh37 (hg19) VCF-style: chr1-201061180-C-T.
Other names: short protein forms S154N.
Identifiers: ClinVar variation 1001358 (VCV001001358.9), dbSNP rs1662254411, ClinGen allele CA344142080.